The following is an entry in ClinVar:

NM_000166.6(GJB1):c.187G>A (p.Val63Ile)

Gene: GJB1 (gap junction protein beta 1; plus strand). Cytogenetic location: Xq13.1.
Variant type: single nucleotide variant.
Coding change: c.187G>A on transcript NM_000166.6 (MANE Select); coding-DNA position 187, G replaced by A.
Protein change: p.Val63Ile; replaces valine 63 with isoleucine.
Molecular consequence: missense variant.
Genome position (GRCh38, 1-based): chrX:71,223,894, G>A. VCF-style: chrX-71223894-G-A. GRCh37 (hg19) VCF-style: chrX-70443744-G-A.
Other names: c.187G>A, p.Val63Ile (NM_001097642.3); short protein forms V63I.
Identifiers: ClinVar variation 21081 (VCV000021081.64), dbSNP rs116840818, ClinGen allele CA341598.

ClinVar aggregate classification (germline): Pathogenic. Review status: criteria provided, multiple submitters, no conflicts (2 of 4 stars). 13 submissions from 13 submitters: Pathogenic (7). 6 of the submissions do not count toward it. Last evaluated 2025-12-17.

Conditions:
Hereditary neuropathy or pain disorder.
Charcot-Marie-Tooth disease. Also called: Charcot-Marie-Tooth Hereditary Neuropathy; Charcot-Marie-Tooth Neuropathy. Identifiers: Orphanet 166, MedGen C0007959, MONDO:0015626.
Charcot-Marie-Tooth Neuropathy X. Identifiers: MedGen CN118851.
Charcot-Marie-Tooth disease X-linked dominant 1. Also called: X-linked Charcot-Marie-Tooth disease type 1; Charcot-Marie-Tooth Neuropathy X Type 1; CHARCOT-MARIE-TOOTH NEUROPATHY, X-LINKED, 1; CHARCOT-MARIE-TOOTH PERONEAL MUSCULAR ATROPHY, X-LINKED; HEREDITARY MOTOR AND SENSORY NEUROPATHY, X-LINKED; HMSN, X-LINKED. Identifiers: Orphanet 101075, MedGen C0393808, MONDO:0010549, OMIM 302800.

Allele frequency attached by ClinVar (database versions not stated): gnomAD exomes below 0.00001.
gnomAD v4.1: 3 of 1,209,998 alleles (0.00025%); highest among the groups gnomAD compares: Non-Finnish European, 0.00022%; no homozygotes.

Submissions (13):

3billion
Classification: Pathogenic for Charcot-Marie-Tooth disease X-linked dominant 1. Last evaluated: 2025-12-17. Review status: criteria provided, single submitter. Criteria: ACMG Guidelines, 2015. Collection method: clinical testing. Allele origin: germline. Affected: yes.
Comment: The variant is observed at an extremely low frequency in the gnomAD v4.1.0 dataset (total allele frequency: <0.001%). Predicted Consequence/Location: Missense variant Functional studies provide moderate evidence of the variant having a damaging effect on the gene or gene product (PMID: 15006706, 9364054). In silico tool predictions suggest damaging effect of the variant on gene or gene product [REVEL: 0.72 (>=0.6, sensitivity 0.68 and specificity 0.92); 3Cnet: 1.00 (> 0.75, sensitivity 0.96 and precision 0.92)]. The same nucleotide change resulting in the same amino acid change has been previously reported as pathogenic/likely pathogenic with strong evidence (ClinVar ID: VCV000021081 /PMID: 8162049). The variant has been observed in at least two similarly affected unrelated individuals (PMID: 12542510, 8162049). A different missense change at the same codon (p.Val63Phe) has been reported to be associated with GJB1-related disorder (PMID: 20039784). Therefore, this variant is classified as Pathogenic according to the recommendation of ACMG/AMP guideline.

GeneDx
Classification: Pathogenic. Last evaluated: 2025-03-17. Review status: criteria provided, single submitter. Criteria: GeneDx Variant Classification Process June 2021. Collection method: clinical testing. Allele origin: germline. Affected: yes.
Comment: Reported previously in association with CMTX1 (PMID: 8162049, 25025039) and is associated with a mild to moderate clinical presentation in both males and females (PMID: 9364054); Functional studies in murine cells demonstrate that at least some of the V63I variant protein is able to localize to the cell surface, shows no significant effect on the ability of the mutant protein to form gap junctions, and to date have failed to elucidate the pathogenic mechanism of the V63I mutant protein (PMID: 9364054, 15006706); Not observed at significant frequency in large population cohorts (gnomAD); Missense variants in this gene are a common cause of disease and they are underrepresented in the general population; In silico analysis indicates that this missense variant does not alter protein structure/function; This variant is associated with the following publications: (PMID: 10093067, 30569560, 15006706, 20301548, 9099841, 12477701, 9633821, 12542510, 11393532, 17100997, 25025039, 9361298, 32376792, 37284795, 8162049, 9364054)

Kariminejad - Najmabadi Pathology & Genetics Center
Classification: Pathogenic for Charcot-Marie-Tooth disease X-linked dominant 1. Last evaluated: 2024-08-06. Review status: criteria provided, single submitter. Criteria: ACMG Guidelines, 2015. Collection method: clinical testing. Allele origin: germline. Inheritance: X-linked inheritance. Affected: yes.
Comment: PP5, PM1, PP3, PM5, PM2, PS3_Moderate

Labcorp Genetics (formerly Invitae), Labcorp
Classification: Pathogenic for Charcot-Marie-Tooth Neuropathy X. Last evaluated: 2024-07-24. Review status: criteria provided, single submitter. Criteria: Invitae Variant Classification Sherloc (09022015). Collection method: clinical testing. Allele origin: germline.
Comment: This sequence change replaces valine, which is neutral and non-polar, with isoleucine, which is neutral and non-polar, at codon 63 of the GJB1 protein (p.Val63Ile). This variant is not present in population databases (gnomAD no frequency). This missense change has been observed in individuals with Charcot-Marie-Tooth disease (PMID: 8162049, 10093067, 12542510). It has also been observed to segregate with disease in related individuals. ClinVar contains an entry for this variant (Variation ID: 21081). Advanced modeling of protein sequence and biophysical properties (such as structural, functional, and spatial information, amino acid conservation, physicochemical variation, residue mobility, and thermodynamic stability) has been performed at Invitae for this missense variant, however the output from this modeling did not meet the statistical confidence thresholds required to predict the impact of this variant on GJB1 protein function. Experimental studies have shown that this missense change affects GJB1 function (PMID: 9364054, 11393532, 15006706). For these reasons, this variant has been classified as Pathogenic.

Cambridge Genomics Laboratory, East Genomic Laboratory Hub, NHS Genomic Medicine Service
Classification: Pathogenic for Hereditary neuropathy or pain disorder. Last evaluated: 2023-11-16. Review status: criteria provided, single submitter. Criteria: ACGS Best Practice Guidelines for Variant Classification in Rare Disease 2020. Collection method: clinical testing. Allele origin: germline. Affected: yes.
Comment: The missense variant NM_000166.6(GJB1):c.187G>A (p.Val63Ile) causes a change at the same amino acid residue as a previously established pathogenic variant. (PM5 - Moderate) | The p.Val63Ile variant is novel (not in any individuals) in gnomAD All. The p.Val63Ile variant is novel (not in any individuals) in 1kG All. The p.Val63Ile variant is novel (not in any individuals) in gnomAD Genomes v3 All. (PM2 - Moderate) | The p.Val63Ile missense variant is predicted to be damaging by both SIFT and PolyPhen2. The valine residue at codon 63 of GJB1 is conserved in all mammalian species. The nucleotide c.187 in GJB1 is predicted conserved by GERP++ and PhyloP across 100 vertebrates. (PP3 - Supporting) | Functional studies demonstrate that this variant has a damaging effect on the gene or gene product (PS3_Supporting - Supporting) | The variant cosegregates with the disease in multiple affected family members. (PP1 - Supporting)

CeGaT Center for Human Genetics Tuebingen
Classification: Pathogenic. Last evaluated: 2017-02-01. Review status: criteria provided, single submitter. Criteria: CeGaT Center For Human Genetics Tuebingen Variant Classification Criteria Version 2. Collection method: clinical testing. Allele origin: germline. Affected: yes. Observed: 1 variant allele.

Athena Diagnostics
Classification: Pathogenic. Last evaluated: 2016-03-30. Review status: criteria provided, single submitter. Criteria: Athena Diagnostics Criteria. Collection method: clinical testing. Allele origin: germline.

Natera, Inc.
Classification: Pathogenic for Charcot-Marie-Tooth disease. Last evaluated: 2020-09-16. Review status: no assertion criteria provided. Collection method: clinical testing. Allele origin: germline. Not counted in ClinVar's aggregate classification.

Inherited Neuropathy Consortium Ii, University Of Miami
Classification: Uncertain significance for Charcot-Marie-Tooth disease X-linked dominant 1. Last evaluated: 2016-01-06. Review status: no assertion criteria provided. Collection method: literature only. Allele origin: germline. Affected: yes. Not counted in ClinVar's aggregate classification.

Clinical Genetics, Academic Medical Center
Classification: Pathogenic. Review status: no assertion criteria provided. Collection method: clinical testing. Allele origin: germline. Affected: yes. Study: VKGL Data-share Consensus. Not counted in ClinVar's aggregate classification.

GeneReviews
No classification provided. Condition: Charcot-Marie-Tooth disease X-linked dominant 1. Review status: no classification provided. Collection method: literature only. Allele origin: unknown. Not counted in ClinVar's aggregate classification.

Inherited Neuropathy Consortium
Classification: Uncertain significance for Charcot-Marie-Tooth disease. Review status: no assertion criteria provided. Collection method: literature only. Allele origin: germline. Affected: yes. Not counted in ClinVar's aggregate classification.

Joint Genome Diagnostic Labs from Nijmegen and Maastricht, Radboudumc and MUMC+
Classification: Pathogenic. Review status: no assertion criteria provided. Collection method: clinical testing. Allele origin: germline. Affected: yes. Study: VKGL Data-share Consensus. Not counted in ClinVar's aggregate classification.

Literature cited by the submitters: PubMed 20039784 (cited by 3billion); PubMed 12542510 (cited by 3 submitters); PubMed 15006706 (cited by 3 submitters); PubMed 9364054 (cited by 3 submitters); PubMed 8162049 (cited by 3 submitters); PubMed 10093067 (cited by Labcorp Genetics (formerly Invitae), Labcorp and Athena Diagnostics); PubMed 11393532 (cited by Labcorp Genetics (formerly Invitae), Labcorp and Athena Diagnostics); PubMed 9633821 (cited by 3 submitters); PubMed 25025039 (cited by Athena Diagnostics); PubMed 12477701 (cited by Athena Diagnostics); PubMed 20301548 (cited by GeneReviews); NCBI Bookshelf NBK1374 (cited by GeneReviews).